The following is an entry in ClinVar:

ClinVar aggregate classification (germline): Uncertain significance. Review status: criteria provided, multiple submitters, no conflicts (2 of 4 stars). 3 submissions from 3 submitters: Uncertain significance (3). Last evaluated 2024-08-15.

Conditions:
Inborn genetic diseases. Identifiers: MedGen C0950123, MeSH D030342.

Allele frequency attached by ClinVar (database versions not stated): TOPMed 0.00004.
gnomAD v4.1: 46 of 1,613,856 alleles (0.0029%); highest among the groups gnomAD compares: Middle Eastern, 0.016%; no homozygotes.

Submissions (3):

Blueprint Genetics
Classification: Uncertain significance. Last evaluated: 2024-08-15. Review status: criteria provided, single submitter. Criteria: ACMG Guidelines, 2015. Collection method: clinical testing. Allele origin: germline.

Ambry Genetics
Classification: Uncertain significance for Inborn genetic diseases. Last evaluated: 2023-04-07. Review status: criteria provided, single submitter. Criteria: Ambry Variant Classification Scheme 2023. Collection method: clinical testing. Allele origin: germline.

Labcorp Genetics (formerly Invitae), Labcorp
Classification: Uncertain significance. Last evaluated: 2022-10-17. Review status: criteria provided, single submitter. Criteria: Invitae Variant Classification Sherloc (09022015). Collection method: clinical testing. Allele origin: germline.
Comment: This sequence change replaces arginine, which is basic and polar, with histidine, which is basic and polar, at codon 237 of the KIAA1549 protein (p.Arg237His). This variant is present in population databases (rs112263100, gnomAD 0.005%). This variant has not been reported in the literature in individuals affected with KIAA1549-related conditions. ClinVar contains an entry for this variant (Variation ID: 954987). Algorithms developed to predict the effect of missense changes on protein structure and function (SIFT, PolyPhen-2, Align-GVGD) all suggest that this variant is likely to be tolerated. In summary, the available evidence is currently insufficient to determine the role of this variant in disease. Therefore, it has been classified as a Variant of Uncertain Significance.

NM_001164665.2(KIAA1549):c.710G>A (p.Arg237His)

Gene: KIAA1549 (KIAA1549; minus strand). Cytogenetic location: 7q34.
Variant type: single nucleotide variant.
Coding change: c.710G>A on transcript NM_001164665.2 (MANE Select); coding-DNA position 710, G replaced by A.
Protein change: p.Arg237His; replaces arginine 237 with histidine.
Molecular consequence: missense variant.
Genome position (GRCh38, 1-based): chr7:138,918,916, C>T on the plus strand (G>A on the coding strand, the complement: KIAA1549 is on the minus strand). VCF-style: chr7-138918916-C-T. GRCh37 (hg19) VCF-style: chr7-138603662-C-T.
Other names: c.710G>A, p.Arg237His (NM_020910.3); short protein forms R237H.
Identifiers: ClinVar variation 954987 (VCV000954987.7), dbSNP rs112263100, ClinGen allele CA4506882.